The following is an entry in ClinVar:

NM_021098.3(CACNA1H):c.212C>G (p.Pro71Arg)

Gene: CACNA1H (calcium voltage-gated channel subunit alpha1 H; plus strand). Cytogenetic location: 16p13.3.
Variant type: single nucleotide variant.
Coding change: c.212C>G on transcript NM_021098.3 (MANE Select); coding-DNA position 212, C replaced by G.
Protein change: p.Pro71Arg; replaces proline 71 with arginine.
Molecular consequence: missense variant.
Genome position (GRCh38, 1-based): chr16:1,153,949, C>G. VCF-style: chr16-1153949-C-G. GRCh37 (hg19) VCF-style: chr16-1203949-C-G.
Other names: c.212C>G, p.Pro71Arg (NM_001005407.2); short protein forms P71R.
Identifiers: ClinVar variation 978518 (VCV000978518.12), dbSNP rs774748739, ClinGen allele CA394145858.

ClinVar aggregate classification (germline): Uncertain significance. Review status: criteria provided, multiple submitters, no conflicts (2 of 4 stars). 3 submissions from 3 submitters: Uncertain significance (3). Last evaluated 2024-04-05.

Conditions:
Inborn genetic diseases. Identifiers: MedGen C0950123, MeSH D030342.
Idiopathic generalized epilepsy. Also called: Generalised epilepsy; EIG. Identifiers: MedGen C0270850, MONDO:0005579, OMIM 600669.
Hyperaldosteronism, familial, type IV (HALD4). Also called: FH IV; ALDOSTERONISM, PRIMARY, AND HYPERTENSION. Identifiers: Orphanet 642671, MedGen C4310756, MONDO:0014875, OMIM 617027.
Epilepsy, childhood absence, susceptibility to, 6. Identifiers: Orphanet 64280, MedGen C2749872, MONDO:0012763, OMIM 611942.

gnomAD v4.1: 12 of 1,453,112 alleles (0.00083%); highest among the groups gnomAD compares: Admixed American, 0.0024%; no homozygotes.

Submissions (3):

Fulgent Genetics
Classification: Uncertain significance for Epilepsy, childhood absence, susceptibility to, 6; Hyperaldosteronism, familial, type IV. Last evaluated: 2024-04-05. Review status: criteria provided, single submitter. Criteria: ACMG Guidelines, 2015. Collection method: clinical testing. Allele origin: germline.

Ambry Genetics
Classification: Uncertain significance for Inborn genetic diseases. Last evaluated: 2023-12-14. Review status: criteria provided, single submitter. Criteria: Ambry Variant Classification Scheme 2023. Collection method: clinical testing. Allele origin: germline.

Labcorp Genetics (formerly Invitae), Labcorp
Classification: Uncertain significance for Idiopathic generalized epilepsy; Hyperaldosteronism, familial, type IV. Last evaluated: 2022-04-30. Review status: criteria provided, single submitter. Criteria: Invitae Variant Classification Sherloc (09022015). Collection method: clinical testing. Allele origin: germline.
Comment: In summary, the available evidence is currently insufficient to determine the role of this variant in disease. Therefore, it has been classified as a Variant of Uncertain Significance. Advanced modeling of protein sequence and biophysical properties (such as structural, functional, and spatial information, amino acid conservation, physicochemical variation, residue mobility, and thermodynamic stability) performed at Invitae indicates that this missense variant is not expected to disrupt CACNA1H protein function. ClinVar contains an entry for this variant (Variation ID: 978518). This variant has not been reported in the literature in individuals affected with CACNA1H-related conditions. This variant is not present in population databases (gnomAD no frequency). This sequence change replaces proline, which is neutral and non-polar, with arginine, which is basic and polar, at codon 71 of the CACNA1H protein (p.Pro71Arg).